The following is an entry in ClinVar:

NM_000051.4(ATM):c.1004G>A (p.Gly335Glu)

Gene: ATM (ATM serine/threonine kinase; plus strand). Cytogenetic location: 11q22.3.
Variant type: single nucleotide variant.
Coding change: c.1004G>A on transcript NM_000051.4 (MANE Select); coding-DNA position 1004, G replaced by A.
Protein change: p.Gly335Glu; replaces glycine 335 with glutamic acid.
Molecular consequence: missense variant.
Genome position (GRCh38, 1-based): chr11:108,247,066, G>A. VCF-style: chr11-108247066-G-A. GRCh37 (hg19) VCF-style: chr11-108117793-G-A.
Other names: c.1004G>A, p.Gly335Glu (NM_001351834.2); short protein forms G335E.
Identifiers: ClinVar variation 645300 (VCV000645300.16), dbSNP rs1440510829, ClinGen allele CA382531377.

ClinVar aggregate classification (germline): Uncertain significance. Review status: criteria provided, multiple submitters, no conflicts (2 of 4 stars). 2 submissions from 2 submitters: Uncertain significance (2). Last evaluated 2025-05-19.

Conditions:
Hereditary cancer-predisposing syndrome. Also called: Neoplastic Syndromes, Hereditary; Hereditary Cancer Syndrome; Hereditary neoplastic syndrome; Tumor predisposition. Identifiers: Orphanet 140162, MedGen C0027672, MeSH D009386, MONDO:0015356.
Ataxia-telangiectasia syndrome (AT). Also called: LOUIS-BAR SYNDROME; Ataxia-telangiectasia, complementation group E; Ataxia-telangiectasia, complementation group D; AT, COMPLEMENTATION GROUP C; Ataxia telangiectasia (A-T); Cerebello-oculocutaneous telangiectasia. Identifiers: Orphanet 100, MedGen C0004135, MONDO:0008840, OMIM 208900.

Submissions (2):

Ambry Genetics
Classification: Uncertain significance for Hereditary cancer-predisposing syndrome. Last evaluated: 2025-05-19. Review status: criteria provided, single submitter. Criteria: Ambry Variant Classification Scheme 2023. Collection method: clinical testing. Allele origin: germline.
Comment: The p.G335E variant (also known as c.1004G>A), located in coding exon 7 of the ATM gene, results from a G to A substitution at nucleotide position 1004. The glycine at codon 335 is replaced by glutamic acid, an amino acid with similar properties. This amino acid position is highly conserved in available vertebrate species. In addition, the in silico prediction for this alteration is inconclusive. Since supporting evidence is limited at this time, the clinical significance of this alteration remains unclear.

Labcorp Genetics (formerly Invitae), Labcorp
Classification: Uncertain significance for Ataxia-telangiectasia syndrome. Last evaluated: 2021-03-22. Review status: criteria provided, single submitter. Criteria: Invitae Variant Classification Sherloc (09022015). Collection method: clinical testing. Allele origin: germline.
Comment: This sequence change replaces glycine with glutamic acid at codon 335 of the ATM protein (p.Gly335Glu). The glycine residue is highly conserved and there is a moderate physicochemical difference between glycine and glutamic acid. In summary, the available evidence is currently insufficient to determine the role of this variant in disease. Therefore, it has been classified as a Variant of Uncertain Significance. Algorithms developed to predict the effect of missense changes on protein structure and function are either unavailable or do not agree on the potential impact of this missense change (SIFT: "Tolerated"; PolyPhen-2: "Probably Damaging"; Align-GVGD: "Class C0"). This variant has not been reported in the literature in individuals with ATM-related disease. This variant is not present in population databases (ExAC no frequency).